The following is an entry in ClinVar:

ClinVar aggregate classification (germline): Pathogenic/Likely pathogenic. Review status: no assertion criteria provided (0 of 4 stars). 2 submissions from 2 submitters: Pathogenic (1); Likely pathogenic (1). Last evaluated 2024-08-12.

Conditions:
Stargardt disease 4 (STGD4). Identifiers: Orphanet 827, MedGen C1863534, MONDO:0011370, OMIM 603786.
Retinal dystrophy. Also called: Inherited retinal dystrophy. Identifiers: Orphanet 71862, MedGen C0854723, MeSH D058499, MONDO:0019118, HP:0000556.

gnomAD v4.1: 1 of 1,509,392 alleles (0.000066%); highest among the groups gnomAD compares: East Asian, 0.0025%; no homozygotes.

Submissions (2):

Diagnostics Centre, Carl Von Ossietzky University Oldenburg
Classification: Likely pathogenic for Stargardt disease 4. Last evaluated: 2024-08-12. Review status: no assertion criteria provided. Collection method: clinical testing. Allele origin: germline. Affected: yes. Observed: 1 variant allele.
Comment: This change results in the formation of a premature stop codon at protein position 793. The variant affects an exon [24/28] present in biologically relevant transcript and is predicted to cause protein truncation/absent due to nonsense mediated decay in a gene where loss-of-function is a known mechanism of disease. The variant has been classified as pathogenic in one entry in ClinVar (ClinVar ID: 3249011). This variant is classified as very rare in the overall population (MAF 7.3*e-07 gnomAD v4.1.0). It was found in homozygous state in two affected siblings and heterozygous in each parent. In summary, the variant is classified as likely pathogenic.

Institute of Human Genetics, Univ. Regensburg, Univ. Regensburg
Classification: Pathogenic for Retinal dystrophy. Last evaluated: 2023-01-01. Review status: no assertion criteria provided. Criteria: ACMG Guidelines, 2015. Collection method: clinical testing. Allele origin: germline. Affected: yes.

NM_006017.3(PROM1):c.2378T>A (p.Leu793Ter)

Gene: PROM1 (prominin 1; minus strand). Cytogenetic location: 4p15.32.
Variant type: single nucleotide variant.
Coding change: c.2378T>A on transcript NM_006017.3 (MANE Select); coding-DNA position 2378, T replaced by A.
Protein change: p.Leu793Ter; replaces leucine 793 with a stop codon.
Molecular consequence: nonsense.
Genome position (GRCh38, 1-based): chr4:15,980,533, A>T on the plus strand (T>A on the coding strand, the complement: PROM1 is on the minus strand). VCF-style: chr4-15980533-A-T. GRCh37 (hg19) VCF-style: chr4-15982156-A-T.
Other names: c.2351T>A, p.Leu784Ter (NM_001145847.2, NM_001145848.2, NM_001145851.2 and 4 more transcripts); c.2378T>A, p.Leu793Ter (NM_001145849.2, NM_001145850.2); short protein forms L784*, L793*.
Identifiers: ClinVar variation 3249011 (VCV003249011.2).